The following is an entry in ClinVar:

ClinVar aggregate classification (germline): Benign/Likely benign. Review status: criteria provided, multiple submitters, no conflicts (2 of 4 stars). 10 submissions from 7 submitters: Benign (1); Likely benign (9). Last evaluated 2026-09-01.

Conditions:
Inborn genetic diseases. Identifiers: MedGen C0950123, MeSH D030342.
Malignant hyperthermia, susceptibility to, 5 (MHS5). Also called: CACNA1S-Related Malignant Hyperthermia Susceptibility. Identifiers: Orphanet 423, MedGen C1866077, MONDO:0011163, OMIM 601887.
Hypokalemic periodic paralysis, type 1. Also called: HypoPP; Hypokalemic Periodic Paralysis Type 1 (AD). Identifiers: Orphanet 681, MedGen C3714580, MONDO:0042979, OMIM 170400.
Thyrotoxic periodic paralysis, susceptibility to, 1 (TTPP1). Identifiers: Orphanet 79102, MedGen C2749982, MONDO:0008570, OMIM 188580.
Congenital myopathy 18. Also called: DIHYDROPYRIDINE RECEPTOR CONGENITAL MYOPATHY; DHPR CONGENITAL MYOPATHY; Myopathy, congenital, due to dihydropyridine receptor defect. Identifiers: MedGen C5830283, MONDO:0859514, OMIM 620246.

Allele frequency attached by ClinVar (database versions not stated): gnomAD 0.00002 and 0.00003; TOPMed 0.00009; 1000 Genomes Project 30x 0.00016; 1000 Genomes Project 0.00020; ExAC 0.00021; gnomAD exomes 0.00025.
gnomAD v4.1: 72 of 1,614,110 alleles (0.0045%); highest among the groups gnomAD compares: Admixed American, 0.12%; 2 homozygotes.

Submissions (10):

CeGaT Center for Human Genetics Tuebingen
Classification: Likely benign. Last evaluated: 2026-09-01. Review status: criteria provided, single submitter. Criteria: CeGaT Center For Human Genetics Tuebingen Variant Classification Criteria Version 2. Collection method: clinical testing. Allele origin: germline. Affected: yes. Observed: 5 variant alleles.
Comment: CACNA1S: BS2

Labcorp Genetics (formerly Invitae), Labcorp
Classification: Likely benign for Hypokalemic periodic paralysis, type 1; Malignant hyperthermia, susceptibility to, 5. Last evaluated: 2026-01-03. Review status: criteria provided, single submitter. Criteria: Invitae Variant Classification Sherloc (09022015). Collection method: clinical testing. Allele origin: germline.

Ambry Genetics
Classification: Likely benign for Inborn genetic diseases. Last evaluated: 2025-03-19. Review status: criteria provided, single submitter. Criteria: Ambry Variant Classification Scheme 2023. Collection method: clinical testing. Allele origin: germline.

Genome-Nilou Lab
Classification: Likely benign for Malignant hyperthermia, susceptibility to, 5. Last evaluated: 2023-04-11. Review status: criteria provided, single submitter. Criteria: ACMG Guidelines, 2015. Collection method: clinical testing. Allele origin: germline. Affected: no.

Genome-Nilou Lab
Classification: Likely benign for Thyrotoxic periodic paralysis, susceptibility to, 1. Last evaluated: 2023-04-11. Review status: criteria provided, single submitter. Criteria: ACMG Guidelines, 2015. Collection method: clinical testing. Allele origin: germline. Affected: no.

Genome-Nilou Lab
Classification: Likely benign for Congenital myopathy 18. Last evaluated: 2023-04-11. Review status: criteria provided, single submitter. Criteria: ACMG Guidelines, 2015. Collection method: clinical testing. Allele origin: germline. Affected: no.

Genome-Nilou Lab
Classification: Likely benign for Hypokalemic periodic paralysis, type 1. Last evaluated: 2023-04-11. Review status: criteria provided, single submitter. Criteria: ACMG Guidelines, 2015. Collection method: clinical testing. Allele origin: germline. Affected: no.

Color Diagnostics, LLC DBA Color Health
Classification: Likely benign for Malignant hyperthermia, susceptibility to, 5. Last evaluated: 2022-11-06. Review status: criteria provided, single submitter. Criteria: ACMG Guidelines, 2015. Collection method: clinical testing. Allele origin: germline.

Fulgent Genetics
Classification: Likely benign for Hypokalemic periodic paralysis, type 1; Thyrotoxic periodic paralysis, susceptibility to, 1; Malignant hyperthermia, susceptibility to, 5. Last evaluated: 2022-01-06. Review status: criteria provided, single submitter. Criteria: ACMG Guidelines, 2015. Collection method: clinical testing. Allele origin: unknown.

Illumina Laboratory Services, Illumina
Classification: Benign for Hypokalemic periodic paralysis, type 1. Last evaluated: 2018-01-13. Review status: criteria provided, single submitter. Criteria: ICSL Variant Classification Criteria 13 December 2019. Collection method: clinical testing. Allele origin: germline.
Comment: This variant was observed in the ICSL laboratory as part of a predisposition screen in an ostensibly healthy population. It had not been previously curated by ICSL or reported in the Human Gene Mutation Database (HGMD: prior to June 1st, 2018), and was therefore a candidate for classification through an automated scoring system. Utilizing variant allele frequency, disease prevalence and penetrance estimates, and inheritance mode, an automated score was calculated to assess if this variant is too frequent to cause the disease. Based on the score and internal cut-off values, a variant classified as benign is not then subjected to further curation. The score for this variant resulted in a classification of benign for this disease.

NM_000069.3(CACNA1S):c.3331G>A (p.Val1111Met)

Gene: CACNA1S (calcium voltage-gated channel subunit alpha1 S; minus strand). Cytogenetic location: 1q32.1.
Variant type: single nucleotide variant.
Coding change: c.3331G>A on transcript NM_000069.3 (MANE Select); coding-DNA position 3331, G replaced by A.
Protein change: p.Val1111Met; replaces valine 1111 with methionine.
Molecular consequence: missense variant.
Genome position (GRCh38, 1-based): chr1:201,060,741, C>T on the plus strand (G>A on the coding strand, the complement: CACNA1S is on the minus strand). VCF-style: chr1-201060741-C-T. GRCh37 (hg19) VCF-style: chr1-201029869-C-T.
Other names: short protein forms V1111M.
Identifiers: ClinVar variation 294731 (VCV000294731.27), dbSNP rs200558548, ClinGen allele CA079639.
Genomic context (GRCh38, chr1:201,060,741, plus strand): 5'-TGAGCATGATGAGGGCAAACATCAGGTATTCAAAGTAGGAGGAGGTGACAATGTACCACA[C>T]CTGGTACTGGTATGGGTTTTTGGGAATGTAGCACCTCAGTGGGCGGGCCTTCAGGGCATA-3'
Protein context (NP_000060.2, residues 1101-1121): YIPKNPYQYQ[Val1111Met]WYIVTSSYFE